The following is an entry in ClinVar:

ClinVar aggregate classification (germline): Uncertain significance (1 of 4 stars; one submission).

Conditions:
Emery-Dreifuss muscular dystrophy 4, autosomal dominant (EDMD4). Also called: EMERY-DREIFUSS MUSCULAR DYSTROPHY 4 WITH VARIABLE FEATURES. Identifiers: Orphanet 261, MedGen C2751807, MONDO:0013071, OMIM 612998.
Autosomal recessive ataxia, Beauce type. Also called: SYNE1-Related Autosomal Recessive Cerebellar Ataxia; SYNE1 Deficiency; Spinocerebellar ataxia, autosomal recessive 8; ATAXIA, RECESSIVE, OF BEAUCE. Identifiers: Orphanet 88644, MedGen C1853116, MONDO:0012549, OMIM 610743.

Allele frequency attached by ClinVar (database versions not stated): gnomAD exomes below 0.00001; ExAC 0.00001; gnomAD 0.00001; 1000 Genomes Project 30x 0.00016; 1000 Genomes Project 0.00020.
gnomAD v4.1: 4 of 1,613,816 alleles (0.00025%); highest among the groups gnomAD compares: African/African-American, 0.0053%; no homozygotes.

Submission:

Labcorp Genetics (formerly Invitae), Labcorp
Classification: Uncertain significance for Emery-Dreifuss muscular dystrophy 4, autosomal dominant; Autosomal recessive ataxia, Beauce type. Last evaluated: 2022-06-26. Review status: criteria provided, single submitter. Criteria: Invitae Variant Classification Sherloc (09022015). Collection method: clinical testing. Allele origin: germline.
Comment: In summary, the available evidence is currently insufficient to determine the role of this variant in disease. Therefore, it has been classified as a Variant of Uncertain Significance. Algorithms developed to predict the effect of missense changes on protein structure and function are either unavailable or do not agree on the potential impact of this missense change (SIFT: "Deleterious"; PolyPhen-2: "Benign"; Align-GVGD: "Class C55"). This variant has not been reported in the literature in individuals affected with SYNE1-related conditions. This variant is present in population databases (rs550723097, gnomAD 0.007%). This sequence change replaces phenylalanine, which is neutral and non-polar, with serine, which is neutral and polar, at codon 2247 of the SYNE1 protein (p.Phe2247Ser).

NM_182961.4(SYNE1):c.6719T>C (p.Phe2240Ser)

Gene: SYNE1 (spectrin repeat containing nuclear envelope protein 1; minus strand). Cytogenetic location: 6q25.2.
Variant type: single nucleotide variant.
Coding change: c.6719T>C on transcript NM_182961.4 (MANE Select); coding-DNA position 6719, T replaced by C.
Protein change: p.Phe2240Ser; replaces phenylalanine 2240 with serine.
Molecular consequence: missense variant.
Genome position (GRCh38, 1-based): chr6:152,407,018, A>G on the plus strand (T>C on the coding strand, the complement: SYNE1 is on the minus strand). VCF-style: chr6-152407018-A-G. GRCh37 (hg19) VCF-style: chr6-152728153-A-G.
Other names: c.6740T>C, p.Phe2247Ser (NM_033071.5); short protein forms F2240S, F2247S.
Identifiers: ClinVar variation 1900073 (VCV001900073.5), dbSNP rs550723097, ClinGen allele CA4058017.